The following is an entry in ClinVar:

NM_006254.4(PRKCD):c.636G>A (p.Ala212=)

Gene: PRKCD (protein kinase C delta; plus strand). Cytogenetic location: 3p21.1.
Variant type: single nucleotide variant.
Coding change: c.636G>A on transcript NM_006254.4 (MANE Select); coding-DNA position 636, G replaced by A.
Protein change: p.Ala212=; no amino-acid change (alanine 212 retained).
Molecular consequence: synonymous variant.
Genome position (GRCh38, 1-based): chr3:53,183,185, G>A. VCF-style: chr3-53183185-G-A. GRCh37 (hg19) VCF-style: chr3-53217201-G-A.
Other names: p.Ala212=; c.636G>A, p.Ala212= (NM_001316327.2, NM_001354679.2, NM_001354680.2 and 1 more transcripts); c.693G>A, p.Ala231= (NM_001354676.2); c.684G>A, p.Ala228= (NM_001354678.2).
Identifiers: ClinVar variation 1586891 (VCV001586891.9), dbSNP rs200410934, ClinGen allele CA2451902.

ClinVar aggregate classification (germline): Likely benign. Review status: criteria provided, multiple submitters, no conflicts (2 of 4 stars). 2 submissions from 2 submitters: Likely benign (2). Last evaluated 2025-10-24.

Conditions:
Autoimmune lymphoproliferative syndrome, type III caused by mutation in PRKCD. Identifiers: Orphanet 3261, Orphanet 664711, MedGen C3809928, MONDO:8000024, OMIM 615559.

Allele frequency attached by ClinVar (database versions not stated): gnomAD 0.00006 and 0.00008; ExAC 0.00008; ESP Exome Variant Server 0.00008; TOPMed 0.00008; gnomAD exomes 0.00009; 1000 Genomes Project 30x 0.00016; 1000 Genomes Project 0.00020.
gnomAD v4.1: 86 of 1,614,184 alleles (0.0053%); highest among the groups gnomAD compares: African/African-American, 0.016%; no homozygotes.

Submissions (2):

Labcorp Genetics (formerly Invitae), Labcorp
Classification: Likely benign for Autoimmune lymphoproliferative syndrome, type III caused by mutation in PRKCD. Last evaluated: 2025-10-24. Review status: criteria provided, single submitter. Criteria: Invitae Variant Classification Sherloc (09022015). Collection method: clinical testing. Allele origin: germline.

Mayo Clinic Laboratories, Mayo Clinic
Classification: Likely benign. Last evaluated: 2025-02-19. Review status: criteria provided, single submitter. Criteria: ACMG Guidelines, 2015. Collection method: clinical testing. Allele origin: germline. Observed: 1 variant allele.
Comment: BP4, BP7